The following is an entry in ClinVar:

ClinVar aggregate classification (germline): Conflicting classifications of pathogenicity. Review status: criteria provided, conflicting classifications (1 of 4 stars). 5 submissions from 5 submitters: Uncertain significance (4); Likely benign (1). Last evaluated 2025-11-23.

Allele frequency attached by ClinVar (database versions not stated): TOPMed 0.00017; ExAC 0.00010; gnomAD 0.00014; ESP Exome Variant Server 0.00025; gnomAD exomes 0.00022.
gnomAD v4.1: 344 of 1,613,830 alleles (0.021%); highest among the groups gnomAD compares: Non-Finnish European, 0.027%; no homozygotes.

Submissions (5):

Labcorp Genetics (formerly Invitae), Labcorp
Classification: Likely benign. Last evaluated: 2025-11-23. Review status: criteria provided, single submitter. Criteria: Invitae Variant Classification Sherloc (09022015). Collection method: clinical testing. Allele origin: germline.

Mayo Clinic Laboratories, Mayo Clinic
Classification: Uncertain significance. Last evaluated: 2025-07-02. Review status: criteria provided, single submitter. Criteria: ACMG Guidelines, 2015. Collection method: clinical testing. Allele origin: germline. Observed: 2 variant alleles.
Comment: BP4

ARUP Laboratories, Molecular Genetics and Genomics, ARUP Laboratories
Classification: Uncertain significance. Last evaluated: 2024-08-30. Review status: criteria provided, single submitter. Criteria: ARUP Molecular Germline Variant Investigation Process 2024. Collection method: clinical testing. Allele origin: germline.
Comment: The SPTA1 c.4408G>A; p.Glu1470Lys variant (rs376552785), to our knowledge, is not reported in the medical literature but is reported in ClinVar (Variation ID: 2436355). This variant is found in the general population with an overall allele frequency of 0.01% (30/280718 alleles) in the Genome Aggregation Database (v2.1.1). Computational analyses predict that this variant is neutral (REVEL: 0.123). Due to limited information, the clinical significance of this variant is uncertain at this time.

Ambry Genetics
Classification: Uncertain significance. Last evaluated: 2024-01-30. Review status: criteria provided, single submitter. Criteria: Ambry Variant Classification Scheme 2023. Collection method: clinical testing. Allele origin: germline.

Revvity Omics, Revvity
Classification: Uncertain significance. Last evaluated: 2023-07-25. Review status: criteria provided, single submitter. Criteria: ACMG Guidelines, 2015. Collection method: clinical testing. Allele origin: germline.

NM_003126.4(SPTA1):c.4408G>A (p.Glu1470Lys)

Gene: SPTA1 (spectrin alpha, erythrocytic 1; minus strand). Cytogenetic location: 1q23.1.
Variant type: single nucleotide variant.
Coding change: c.4408G>A on transcript NM_003126.4 (MANE Select); coding-DNA position 4408, G replaced by A.
Protein change: p.Glu1470Lys; replaces glutamic acid 1470 with lysine.
Molecular consequence: missense variant.
Genome position (GRCh38, 1-based): chr1:158,643,356, C>T on the plus strand (G>A on the coding strand, the complement: SPTA1 is on the minus strand). VCF-style: chr1-158643356-C-T. GRCh37 (hg19) VCF-style: chr1-158613146-C-T.
Other names: p.Glu1470Lys; c.4408G>A (NM_003126.2); short protein forms E1470K.
Identifiers: ClinVar variation 2436355 (VCV002436355.8), dbSNP rs376552785, ClinGen allele CA1182727.
Genomic context (GRCh38, chr1:158,643,356, plus strand): 5'-ACATAAAACAATCACTCAGGCCTGACCTGTCTAGTACACGTTGGAGCCGCGTAGCAATCT[C>T]TTCTTTGGCATAGTGTTCATCAGCAATGAGGCTCTCAGCAAAATGTTCTAGGTCAGTGAT-3'
Protein context (NP_003117.2, residues 1460-1480): LIADEHYAKE[Glu1470Lys]IATRLQRVLD